The following is an entry in ClinVar:

ClinVar aggregate classification (germline): Likely benign. Review status: criteria provided, single submitter (1 of 4 stars). 2 submissions from 2 submitters: Likely benign (1). 1 of the submissions does not count toward it. Last evaluated 2023-11-14.

Conditions:
Mucolipidosis type II. Also called: ML II ALPHA/BETA; Mucolipidosis 2; ML 2; Inclusion cell disease; Leroy Disease; N-acetylglucosamine 1phosphotransferase deficiency. Identifiers: Orphanet 576, MedGen C2673377, MONDO:0009650, OMIM 252500.
Pseudo-Hurler polydystrophy. Also called: MUCOLIPIDOSIS IIIA; ML III; ML III ALPHA/BETA; Type III Mucolipidosis; ML IIIA; Mucolipidosis III Alpha/Beta. Identifiers: Orphanet 423461, Orphanet 577, MedGen C0033788, MONDO:0018931, OMIM 252600.
GNPTAB-Related Disorders. Also called: GNPTAB-related disorder; GNPTAB-related condition. Identifiers: MedGen CN381523.

Allele frequency attached by ClinVar (database versions not stated): gnomAD 0.00001; gnomAD exomes 0.00001; ExAC 0.00002; TOPMed 0.00001.
gnomAD v4.1: 5 of 1,613,942 alleles (0.00031%); highest among the groups gnomAD compares: Admixed American, 0.0067%; no homozygotes.

Submissions (2):

Labcorp Genetics (formerly Invitae), Labcorp
Classification: Likely benign for Pseudo-Hurler polydystrophy; Mucolipidosis type II. Last evaluated: 2023-11-14. Review status: criteria provided, single submitter. Criteria: Invitae Variant Classification Sherloc (09022015). Collection method: clinical testing. Allele origin: germline.

PreventionGenetics, part of Exact Sciences
Classification: Likely benign for GNPTAB-related condition. Last evaluated: 2019-07-15. Review status: no assertion criteria provided. Collection method: clinical testing. Allele origin: germline. Not counted in ClinVar's aggregate classification.
Comment: This variant is classified as likely benign based on ACMG/AMP sequence variant interpretation guidelines (Richards et al. 2015 PMID: 25741868, with internal and published modifications).

NM_024312.5(GNPTAB):c.1263C>T (p.Tyr421=)

Gene: GNPTAB (N-acetylglucosamine-1-phosphate transferase subunits alpha and beta; minus strand). Cytogenetic location: 12q23.2.
Variant type: single nucleotide variant.
Coding change: c.1263C>T on transcript NM_024312.5 (MANE Select); coding-DNA position 1263, C replaced by T.
Protein change: p.Tyr421=; no amino-acid change (tyrosine 421 retained).
Molecular consequence: synonymous variant.
Genome position (GRCh38, 1-based): chr12:101,770,042, G>A on the plus strand (C>T on the coding strand, the complement: GNPTAB is on the minus strand). VCF-style: chr12-101770042-G-A. GRCh37 (hg19) VCF-style: chr12-102163820-G-A.
Other names: c.1263C>T (NM_024312.4).
Identifiers: ClinVar variation 1091762 (VCV001091762.11), dbSNP rs771724795, ClinGen allele CA6746676.